The following is an entry in ClinVar:

ClinVar aggregate classification (germline): Likely benign (1 of 4 stars; one submission).

Submission:

CeGaT Center for Human Genetics Tuebingen
Classification: Likely benign. Last evaluated: 2023-05-01. Review status: criteria provided, single submitter. Criteria: CeGaT Center For Human Genetics Tuebingen Variant Classification Criteria Version 2. Collection method: clinical testing. Allele origin: germline. Affected: yes. Observed: 1 variant allele.
Comment: LAMA5: PM2:Supporting, BP4, BP7

NM_005560.6(LAMA5):c.5610A>G (p.Ser1870=)

Gene: LAMA5 (laminin subunit alpha 5; minus strand). Cytogenetic location: 20q13.33.
Variant type: single nucleotide variant.
Coding change: c.5610A>G on transcript NM_005560.6 (MANE Select); coding-DNA position 5610, A replaced by G.
Protein change: p.Ser1870=; no amino-acid change (serine 1870 retained).
Molecular consequence: synonymous variant.
Genome position (GRCh38, 1-based): chr20:62,324,474, T>C on the plus strand (A>G on the coding strand, the complement: LAMA5 is on the minus strand). VCF-style: chr20-62324474-T-C. GRCh37 (hg19) VCF-style: chr20-60899530-T-C.
Identifiers: ClinVar variation 2652484 (VCV002652484.24), dbSNP rs2516032195, ClinGen allele CA511121997.